The following is an entry in ClinVar:

ClinVar aggregate classification (germline): Uncertain significance. Review status: criteria provided, multiple submitters, no conflicts (2 of 4 stars). 2 submissions from 2 submitters: Uncertain significance (2). Last evaluated 2026-03-22.

Submissions (2):

Ambry Genetics
Classification: Uncertain significance. Last evaluated: 2026-03-22. Review status: criteria provided, single submitter. Criteria: Ambry Variant Classification Scheme 2023. Collection method: clinical testing. Allele origin: germline.
Comment: The p.E609D variant (also known as c.1827A>C), located in coding exon 14 of the RECQL gene, results from an A to C substitution at nucleotide position 1827. The glutamic acid at codon 609 is replaced by aspartic acid, an amino acid with highly similar properties. This amino acid position is conserved. In addition, this alteration is predicted to be tolerated by in silico analysis. Based on the available evidence, the clinical significance of this variant remains unclear.

Labcorp Genetics (formerly Invitae), Labcorp
Classification: Uncertain significance. Last evaluated: 2025-07-21. Review status: criteria provided, single submitter. Criteria: Invitae Variant Classification Sherloc (09022015). Collection method: clinical testing. Allele origin: germline.
Comment: This sequence change replaces glutamic acid, which is acidic and polar, with aspartic acid, which is acidic and polar, at codon 609 of the RECQL protein (p.Glu609Asp). This variant is not present in population databases (gnomAD no frequency). This variant has not been reported in the literature in individuals affected with RECQL-related conditions. ClinVar contains an entry for this variant (Variation ID: 2728337). An algorithm developed to predict the effect of missense changes on protein structure and function (PolyPhen-2) suggests that this variant is likely to be tolerated. In summary, the available evidence is currently insufficient to determine the role of this variant in disease. Therefore, it has been classified as a Variant of Uncertain Significance.

NM_002907.4(RECQL):c.1827A>C (p.Glu609Asp)

Genes: PYROXD1 (pyridine nucleotide-disulphide oxidoreductase domain 1; plus strand), RECQL (RecQ like helicase; minus strand). Cytogenetic location: 12p12.1.
Variant type: single nucleotide variant.
Coding change: c.1827A>C on transcript NM_002907.4 (MANE Select); coding-DNA position 1827, A replaced by C.
Protein change: p.Glu609Asp; replaces glutamic acid 609 with aspartic acid.
Molecular consequence: missense variant. On other transcripts: 3 prime UTR variant (3).
Genome position (GRCh38, 1-based): chr12:21,470,317, T>G on the plus strand (A>C on the coding strand, the complement: RECQL is on the minus strand). VCF-style: chr12-21470317-T-G. GRCh37 (hg19) VCF-style: chr12-21623251-T-G.
Other names: c.1827A>C (NM_002907.3); c.1827A>C, p.Glu609Asp (NM_032941.3); c.*1563T>G (NM_001350912.2, NM_001350913.2, NM_024854.5); short protein forms E609D.
Identifiers: ClinVar variation 2728337 (VCV002728337.4), dbSNP rs1942908754, ClinGen allele CA384113971.
Genomic context (GRCh38, chr12:21,470,317, plus strand): 5'-GTTTGCAGCCTTCTTCTGGAAGTTGCCTGAATTTTTTTCCTCCATCTTTTTATCACCTTG[T>G]TCAGAATGACAAGTTTGAGACGATTCAGCCTACAAAAAAAAAAAAAAAACAAAGCAAGCA-3'
Protein context (NP_002898.2, residues 599-619): RAESSQTCHS[Glu609Asp]QGDKKMEEKN